The following is an entry in ClinVar:

ClinVar aggregate classification (germline): Uncertain significance (1 of 4 stars; one submission).

Conditions:
Biotin-responsive basal ganglia disease (BTBGD). Also called: Thiamine metabolism dysfunction syndrome type 2; Thiamine Transporter-2 Deficiency; Thiamine metabolism dysfunction syndrome 2 (biotin- or thiamine-responsive encephalopathy type 2); thiamine-responsive encephalopathy; THIAMINE METABOLISM DYSFUNCTION SYNDROME 2 (BIOTIN- AND THIAMINE-RESPONSIVE TYPE). Identifiers: Orphanet 199348, Orphanet 65284, MedGen C1843807, MONDO:0011841, OMIM 607483.

Allele frequency attached by ClinVar (database versions not stated): gnomAD exomes below 0.00001 and 0.00001; TOPMed below 0.00001.

Submission:

Labcorp Genetics (formerly Invitae), Labcorp
Classification: Uncertain significance for Biotin-responsive basal ganglia disease. Last evaluated: 2022-06-04. Review status: criteria provided, single submitter. Criteria: Invitae Variant Classification Sherloc (09022015). Collection method: clinical testing. Allele origin: germline.
Comment: This sequence change replaces valine, which is neutral and non-polar, with isoleucine, which is neutral and non-polar, at codon 339 of the SLC19A3 protein (p.Val339Ile). This variant is present in population databases (no rsID available, gnomAD 0.007%). This variant has not been reported in the literature in individuals affected with SLC19A3-related conditions. ClinVar contains an entry for this variant (Variation ID: 573350). Advanced modeling of protein sequence and biophysical properties (such as structural, functional, and spatial information, amino acid conservation, physicochemical variation, residue mobility, and thermodynamic stability) performed at Invitae indicates that this missense variant is not expected to disrupt SLC19A3 protein function. In summary, the available evidence is currently insufficient to determine the role of this variant in disease. Therefore, it has been classified as a Variant of Uncertain Significance.

NM_025243.4(SLC19A3):c.1015G>A (p.Val339Ile)

Gene: SLC19A3 (solute carrier family 19 member 3; minus strand). Cytogenetic location: 2q36.3.
Variant type: single nucleotide variant.
Coding change: c.1015G>A on transcript NM_025243.4 (MANE Select); coding-DNA position 1015, G replaced by A.
Protein change: p.Val339Ile; replaces valine 339 with isoleucine.
Molecular consequence: missense variant.
Genome position (GRCh38, 1-based): chr2:227,696,046, C>T on the plus strand (G>A on the coding strand, the complement: SLC19A3 is on the minus strand). VCF-style: chr2-227696046-C-T. GRCh37 (hg19) VCF-style: chr2-228560762-C-T.
Other names: short protein forms V339I.
Identifiers: ClinVar variation 573350 (VCV000573350.6), dbSNP rs1316990129, ClinGen allele CA350875967.